The following is an entry in ClinVar:

NC_000009.12:g.(?_116697733)_(116699714_?)del

Genes: ASTN2 (astrotactin 2; minus strand), TRIM32 (tripartite motif containing 32; plus strand). Cytogenetic location: 9q33.1.
Variant type: Deletion.
Identifiers: ClinVar variation 831287 (VCV000831287.1).

ClinVar aggregate classification (germline): Pathogenic (1 of 4 stars; one submission).

Conditions:
Bardet-Biedl syndrome (BBS). Identifiers: Orphanet 110, MedGen C0752166, MONDO:0015229.

Submission:

Labcorp Genetics (formerly Invitae), Labcorp
Classification: Pathogenic for Bardet-Biedl syndrome. Last evaluated: 2019-12-26. Review status: criteria provided, single submitter. Criteria: Invitae Variant Classification Sherloc (09022015). Collection method: clinical testing. Allele origin: germline.
Comment: A gross deletion of the genomic region encompassing the full coding sequence of the TRIM32 gene has been identified. The boundaries of this event are unknown as the deletion extends beyond the assayed region for this gene and therefore may encompass additional genes. Similar deletions have been reported in the literature in individuals affected with limb-girdle muscular dystrophy (PMID: 25351777, 23541687, Invitae). Loss-of-function variants in TRIM32 are known to be pathogenic (PMID: 23541687). For these reasons, this variant has been classified as Pathogenic.

Literature cited by the submitters: PubMed 23541687; PubMed 25351777.